The following is an entry in ClinVar:

NM_152490.5(B3GALNT2):c.743G>C (p.Gly248Ala)

Gene: B3GALNT2 (beta-1,3-N-acetylgalactosaminyltransferase 2; minus strand). Cytogenetic location: 1q42.3.
Variant type: single nucleotide variant.
Coding change: c.743G>C on transcript NM_152490.5 (MANE Select); coding-DNA position 743, G replaced by C.
Protein change: p.Gly248Ala; replaces glycine 248 with alanine.
Molecular consequence: missense variant.
Genome position (GRCh38, 1-based): chr1:235,470,869, C>G on the plus strand (G>C on the coding strand, the complement: B3GALNT2 is on the minus strand). VCF-style: chr1-235470869-C-G. GRCh37 (hg19) VCF-style: chr1-235634183-C-G.
Other names: c.866G>C, p.Gly289Ala (NM_001277155.3); short protein forms G248A, G289A.
Identifiers: ClinVar variation 427099 (VCV000427099.2), dbSNP rs201822310, ClinGen allele CA1464816.

ClinVar aggregate classification (germline): Likely pathogenic (1 of 4 stars; one submission).

Allele frequency attached by ClinVar (database versions not stated): gnomAD exomes below 0.00001; ExAC 0.00001; gnomAD 0.00001; 1000 Genomes Project 0.00020; 1000 Genomes Project 30x 0.00031.
gnomAD v4.1: 3 of 1,613,928 alleles (0.00019%); highest among the groups gnomAD compares: African/African-American, 0.004%; no homozygotes.

Submission:

GeneDx
Classification: Likely pathogenic. Last evaluated: 2015-06-11. Review status: criteria provided, single submitter. Criteria: GeneDx Variant Classification (06012015). Collection method: clinical testing. Allele origin: germline. Affected: yes.
Comment: The G248A variant in the B3GALNT2 gene has not been published as a pathogenic variant, nor has it been reported as a benign polymorphism to our knowledge. The G248A variant was not observed in approximately 6500 individuals of European and African American ancestry in the NHLBI Exome Sequencing Project, indicating it is not a common benign variant in these populations. The G248A variant is a conservative amino acid substitution, which is not likely to impact secondary protein structure as these residues share similar properties. This substitution occurs at a position that is conserved across species, and in silico analysis predicts this variant is probably damaging to the protein structure/function. A missense variant in a nearby residue (G247E) has been reported in the Human Gene Mutation Database in association with a B3GALNT2-related disorder (Stenson et al., 2014), supporting the functional importance of this region of the protein. The G248A variant is a strong candidate for a disease-causing variant, however the possibility it may be a rare benign variant cannot be excluded.